The following is an entry in ClinVar:

ClinVar aggregate classification (germline): Uncertain significance (1 of 4 stars; one submission).

Submission:

Labcorp Genetics (formerly Invitae), Labcorp
Classification: Uncertain significance. Last evaluated: 2024-04-13. Review status: criteria provided, single submitter. Criteria: Invitae Variant Classification Sherloc (09022015). Collection method: clinical testing. Allele origin: germline.
Comment: This variant, c.1759_1761dup, results in the insertion of 1 amino acid(s) of the ANLN protein (p.Met587dup), but otherwise preserves the integrity of the reading frame. This variant is present in population databases (rs750927251, gnomAD 0.003%). This variant has not been reported in the literature in individuals affected with ANLN-related conditions. In summary, the available evidence is currently insufficient to determine the role of this variant in disease. Therefore, it has been classified as a Variant of Uncertain Significance.

NM_018685.5(ANLN):c.1759_1761dup (p.Met587_Asp588insMet)

Gene: ANLN (anillin, actin binding protein; plus strand). Cytogenetic location: 7p14.2.
Variant type: Duplication.
Coding change: c.1759_1761dup on transcript NM_018685.5 (MANE Select); coding-DNA positions 1759 to 1761, 3 bases duplicated (ATG; older notation c.1759_1761dupATG).
Protein change: p.Met587_Asp588insMet.
Genome position (GRCh38, 1-based): chr7:36,419,369-36,419,371, ATG duplicated; duplicating any 3 consecutive bases within chr7:36,419,368-36,419,371 gives the same sequence; the c. name uses the placement nearest the transcript's 3' end. VCF-style (leftmost placement, unchanged base first): chr7-36419367-A-AGAT. GRCh37 (hg19) VCF-style: chr7-36458976-A-AGAT.
Other names: c.1648_1650dup, p.Met550_Asp551insMet (NM_001284301.3); c.1645_1647dup, p.Met549_Asp550insMet (NM_001284302.3).
Identifiers: ClinVar variation 3710765 (VCV003710765.2).